The following is an entry in ClinVar:

ClinVar aggregate classification (germline): Uncertain significance (1 of 4 stars; one submission).

Allele frequency attached by ClinVar (database versions not stated): gnomAD exomes below 0.00001.
gnomAD v4.1: 1 of 1,614,158 alleles (0.000062%); highest among the groups gnomAD compares: Non-Finnish European, 0.000085%; no homozygotes.

Submission:

Labcorp Genetics (formerly Invitae), Labcorp
Classification: Uncertain significance. Last evaluated: 2022-04-30. Review status: criteria provided, single submitter. Criteria: Invitae Variant Classification Sherloc (09022015). Collection method: clinical testing. Allele origin: germline.
Comment: This sequence change replaces threonine, which is neutral and polar, with isoleucine, which is neutral and non-polar, at codon 436 of the NUP93 protein (p.Thr436Ile). This variant is not present in population databases (gnomAD no frequency). This variant has not been reported in the literature in individuals affected with NUP93-related conditions. Algorithms developed to predict the effect of missense changes on protein structure and function are either unavailable or do not agree on the potential impact of this missense change (SIFT: "Tolerated"; PolyPhen-2: "Probably Damaging"; Align-GVGD: "Class C0"). In summary, the available evidence is currently insufficient to determine the role of this variant in disease. Therefore, it has been classified as a Variant of Uncertain Significance.

NM_014669.5(NUP93):c.1307C>T (p.Thr436Ile)

Gene: NUP93 (nucleoporin 93; plus strand). Cytogenetic location: 16q13.
Variant type: single nucleotide variant.
Coding change: c.1307C>T on transcript NM_014669.5 (MANE Select); coding-DNA position 1307, C replaced by T.
Protein change: p.Thr436Ile; replaces threonine 436 with isoleucine.
Molecular consequence: missense variant.
Genome position (GRCh38, 1-based): chr16:56,832,350, C>T. VCF-style: chr16-56832350-C-T. GRCh37 (hg19) VCF-style: chr16-56866262-C-T.
Other names: c.938C>T, p.Thr313Ile (NM_001242795.2, NM_001242796.2); short protein forms T313I, T436I.
Identifiers: ClinVar variation 1975895 (VCV001975895.5), dbSNP rs1963812574, ClinGen allele CA395989181.